The following is an entry in ClinVar:

NM_005188.4(CBL):c.106C>A (p.His36Asn)

Genes: CBL (Cbl proto-oncogene; plus strand), LOC130006895 (ATAC-STARR-seq lymphoblastoid silent region 3975; plus strand). Cytogenetic location: 11q23.3.
Variant type: single nucleotide variant.
Coding change: c.106C>A on transcript NM_005188.4 (MANE Select); coding-DNA position 106, C replaced by A.
Protein change: p.His36Asn; replaces histidine 36 with asparagine.
Molecular consequence: missense variant.
Genome position (GRCh38, 1-based): chr11:119,206,523, C>A. VCF-style: chr11-119206523-C-A. GRCh37 (hg19) VCF-style: chr11-119077233-C-A.
Other names: c.106C>A (NM_005188.2); short protein forms H36N.
Identifiers: ClinVar variation 1937823 (VCV001937823.6), dbSNP rs1949270091, ClinGen allele CA382976193.

ClinVar aggregate classification (germline): Uncertain significance. Review status: criteria provided, multiple submitters, no conflicts (2 of 4 stars). 2 submissions from 2 submitters: Uncertain significance (2). Last evaluated 2026-07-05.

Conditions:
RASopathy. Also called: rasopathies; Noonan spectrum disorder. Identifiers: Orphanet 536391, MedGen C5555857, MONDO:0021060.
Cardiovascular phenotype. Identifiers: MedGen CN230736.

Submissions (2):

Ambry Genetics
Classification: Uncertain significance for Cardiovascular phenotype. Last evaluated: 2026-07-05. Review status: criteria provided, single submitter. Criteria: Ambry Variant Classification Scheme 2023. Collection method: clinical testing. Allele origin: germline.
Comment: The p.H36N variant (also known as c.106C>A), located in coding exon 1 of the CBL gene, results from a C to A substitution at nucleotide position 106. The histidine at codon 36 is replaced by asparagine, an amino acid with similar properties. This amino acid position is conserved. In addition, this alteration is predicted to be tolerated by in silico analysis. Based on the available evidence, the clinical significance of this variant remains unclear.

Labcorp Genetics (formerly Invitae), Labcorp
Classification: Uncertain significance for RASopathy. Last evaluated: 2022-02-09. Review status: criteria provided, single submitter. Criteria: Invitae Variant Classification Sherloc (09022015). Collection method: clinical testing. Allele origin: germline.
Comment: In summary, the available evidence is currently insufficient to determine the role of this variant in disease. Therefore, it has been classified as a Variant of Uncertain Significance. Advanced modeling of protein sequence and biophysical properties (such as structural, functional, and spatial information, amino acid conservation, physicochemical variation, residue mobility, and thermodynamic stability) performed at Invitae indicates that this missense variant is not expected to disrupt CBL protein function. This variant has not been reported in the literature in individuals affected with CBL-related conditions. This variant is not present in population databases (gnomAD no frequency). This sequence change replaces histidine, which is basic and polar, with asparagine, which is neutral and polar, at codon 36 of the CBL protein (p.His36Asn).